The following is an entry in ClinVar:

ClinVar aggregate classification (germline): Benign/Likely benign. Review status: criteria provided, multiple submitters, no conflicts (2 of 4 stars). 10 submissions from 10 submitters: Benign (5); Likely benign (2). 3 of the submissions do not count toward it. Last evaluated 2026-01-27.

Conditions:
Holoprosencephaly 9 (HPE9). Also called: PITUITARY ANOMALIES WITH HOLOPROSENCEPHALY-LIKE FEATURES; HOLOPROSENCEPHALY WITH MICROPHTHALMIA AND FIRST BRANCHIAL ARCH ANOMALIES. Identifiers: Orphanet 2162, MedGen C1835819, MONDO:0012563, OMIM 610829.
Postaxial polydactyly-anterior pituitary anomalies-facial dysmorphism syndrome. Also called: Culler-Jones syndrome. Identifiers: Orphanet 420584, MedGen C4014479, MONDO:0014369, OMIM 615849.

Allele frequency attached by ClinVar (database versions not stated): gnomAD 0.00309 and 0.00325; TOPMed 0.00342; ExAC 0.00085; 1000 Genomes Project 0.00260; 1000 Genomes Project 30x 0.00281; ESP Exome Variant Server 0.00300; gnomAD exomes 0.00033 and 0.00070.
gnomAD v4.1: 990 of 1,613,804 alleles (0.061%); highest among the groups gnomAD compares: African/African-American, 1.2%; 5 homozygotes.

Submissions (10):

Labcorp Genetics (formerly Invitae), Labcorp
Classification: Benign for Postaxial polydactyly-anterior pituitary anomalies-facial dysmorphism syndrome; Holoprosencephaly 9. Last evaluated: 2026-01-27. Review status: criteria provided, single submitter. Criteria: Invitae Variant Classification Sherloc (09022015). Collection method: clinical testing. Allele origin: germline.

Blueprint Genetics
Classification: Benign. Last evaluated: 2024-11-20. Review status: criteria provided, single submitter. Criteria: ACMG Guidelines, 2015. Collection method: clinical testing. Allele origin: germline.

CeGaT Center for Human Genetics Tuebingen
Classification: Benign. Last evaluated: 2023-01-01. Review status: criteria provided, single submitter. Criteria: CeGaT Center For Human Genetics Tuebingen Variant Classification Criteria Version 2. Collection method: clinical testing. Allele origin: germline. Affected: yes. Observed: 1 variant allele.
Comment: GLI2: BP4, BP7, BS1, BS2

Illumina Laboratory Services, Illumina
Classification: Benign for Holoprosencephaly 9. Last evaluated: 2018-01-12. Review status: criteria provided, single submitter. Criteria: ICSL Variant Classification Criteria 13 December 2019. Collection method: clinical testing. Allele origin: germline.
Comment: This variant was observed in the ICSL laboratory as part of a predisposition screen in an ostensibly healthy population. It had not been previously curated by ICSL or reported in the Human Gene Mutation Database (HGMD: prior to June 1st, 2018), and was therefore a candidate for classification through an automated scoring system. Utilizing variant allele frequency, disease prevalence and penetrance estimates, and inheritance mode, an automated score was calculated to assess if this variant is too frequent to cause the disease. Based on the score and internal cut-off values, a variant classified as benign is not then subjected to further curation. The score for this variant resulted in a classification of benign for this disease.

Eurofins Ntd Llc (ga)
Classification: Benign. Last evaluated: 2017-01-23. Review status: criteria provided, single submitter. Criteria: EGL Classification Definitions 2015. Collection method: clinical testing. Allele origin: germline. Observed: 1 variant allele, 1 heterozygote.

Breakthrough Genomics
Classification: Likely benign. Review status: criteria provided, single submitter. Criteria: ACMG Guidelines, 2015. Collection method: not provided. Allele origin: germline. Inheritance: Autosomal dominant inheritance. Affected: yes.

PreventionGenetics, part of Exact Sciences
Classification: Likely benign. Review status: criteria provided, single submitter. Criteria: ACMG Guidelines, 2015. Collection method: clinical testing. Allele origin: germline.

Clinical Genetics DNA and cytogenetics Diagnostics Lab, Erasmus MC, Erasmus Medical Center
Classification: Likely benign. Review status: no assertion criteria provided. Collection method: clinical testing. Allele origin: germline. Affected: yes. Study: VKGL Data-share Consensus. Not counted in ClinVar's aggregate classification.

Clinical Genetics, Academic Medical Center
Classification: Benign. Review status: no assertion criteria provided. Collection method: clinical testing. Allele origin: germline. Affected: yes. Study: VKGL Data-share Consensus. Not counted in ClinVar's aggregate classification.

Joint Genome Diagnostic Labs from Nijmegen and Maastricht, Radboudumc and MUMC+
Classification: Benign. Review status: no assertion criteria provided. Collection method: clinical testing. Allele origin: germline. Affected: yes. Study: VKGL Data-share Consensus. Not counted in ClinVar's aggregate classification.

NM_001374353.1(GLI2):c.2037A>G (p.Ala679=)

Gene: GLI2 (GLI family zinc finger 2; plus strand). Cytogenetic location: 2q14.2.
Variant type: single nucleotide variant.
Coding change: c.2037A>G on transcript NM_001374353.1 (MANE Select); coding-DNA position 2037, A replaced by G.
Protein change: p.Ala679=; no amino-acid change (alanine 679 retained).
Molecular consequence: synonymous variant.
Genome position (GRCh38, 1-based): chr2:120,986,409, A>G. VCF-style: chr2-120986409-A-G. GRCh37 (hg19) VCF-style: chr2-121743985-A-G.
Other names: c.2088A>G, p.Ala696= (NM_001371271.1, NM_005270.5); c.1662A>G, p.Ala554= (NM_001374354.1).
Identifiers: ClinVar variation 259722 (VCV000259722.54), dbSNP rs146059306, ClinGen allele CA1852119.